The following is an entry in ClinVar:

ClinVar aggregate classification (germline): Uncertain significance (1 of 4 stars; one submission).

Conditions:
Combined immunodeficiency due to DOCK8 deficiency (HIES2). Also called: Hyper-IgE recurrent infection syndrome, autosomal recessive; HYPER-IgE RECURRENT INFECTION SYNDROME 2, AUTOSOMAL RECESSIVE; HIES autosomal recessive; HYPER-IgE SYNDROME 2, AUTOSOMAL RECESSIVE, WITH RECURRENT INFECTIONS; DOCK8 Deficiency. Identifiers: Orphanet 217390, MedGen C4722305, MONDO:0009478, OMIM 243700.

gnomAD v4.1: 1 of 1,613,998 alleles (0.000062%); highest among the groups gnomAD compares: Non-Finnish European, 0.000085%; no homozygotes.

Submission:

Labcorp Genetics (formerly Invitae), Labcorp
Classification: Uncertain significance for Combined immunodeficiency due to DOCK8 deficiency. Last evaluated: 2024-08-21. Review status: criteria provided, single submitter. Criteria: Invitae Variant Classification Sherloc (09022015). Collection method: clinical testing. Allele origin: germline.
Comment: This sequence change replaces glutamic acid, which is acidic and polar, with glycine, which is neutral and non-polar, at codon 1830 of the DOCK8 protein (p.Glu1830Gly). This variant is not present in population databases (gnomAD no frequency). This variant has not been reported in the literature in individuals affected with DOCK8-related conditions. An algorithm developed to predict the effect of missense changes on protein structure and function (PolyPhen-2) suggests that this variant is likely to be disruptive. In summary, the available evidence is currently insufficient to determine the role of this variant in disease. Therefore, it has been classified as a Variant of Uncertain Significance.

NM_203447.4(DOCK8):c.5489A>G (p.Glu1830Gly)

Gene: DOCK8 (dedicator of cytokinesis 8; plus strand). Cytogenetic location: 9p24.3.
Variant type: single nucleotide variant.
Coding change: c.5489A>G on transcript NM_203447.4 (MANE Select); coding-DNA position 5489, A replaced by G.
Protein change: p.Glu1830Gly; replaces glutamic acid 1830 with glycine.
Molecular consequence: missense variant.
Genome position (GRCh38, 1-based): chr9:442,008, A>G. VCF-style: chr9-442008-A-G. GRCh37 (hg19) VCF-style: chr9-442008-A-G.
Other names: c.5189A>G, p.Glu1730Gly (NM_001190458.2); c.5285A>G, p.Glu1762Gly (NM_001193536.2); short protein forms E1730G, E1830G, E1762G.
Identifiers: ClinVar variation 3676341 (VCV003676341.2).